The following is an entry in ClinVar:

NM_014249.4(NR2E3):c.316AAG[1] (p.Lys107del)

Gene: NR2E3 (nuclear receptor subfamily 2 group E member 3; plus strand). Cytogenetic location: 15q23.
Variant type: Microsatellite.
Coding change: c.316AAG[1] on transcript NM_014249.4 (MANE Select); one copy of the 3-base unit AAG starting at c.316; the reference has two copies in a row; one copy, 3 bases deleted; also written c.319_321del.
Protein change: p.Lys107del; deletes lysine 107.
Molecular consequence: inframe deletion.
Genome position (GRCh38, 1-based): chr15:71,811,839-71,811,841, AAG deleted; deleting any 3 consecutive bases within chr15:71,811,835-71,811,841 gives the same sequence; the position shown is the placement nearest the transcript's 3' end. VCF-style (leftmost placement, unchanged base first): chr15-71811834-TGAA-T. GRCh37 (hg19) VCF-style: chr15-72104174-TGAA-T.
Other names: NC_000015.9:g.72104179_72104181del; NP_055064.1:p.(Lys107del); c.316AAG[1], p.Lys107del (NM_016346.4); c.319_321del (NM_014249.4); short protein forms K107del.
Identifiers: ClinVar variation 2577522 (VCV002577522.2), dbSNP rs1418275818, ClinGen allele CA618960665.

ClinVar aggregate classification (germline): Likely pathogenic (1 of 4 stars; one submission).

Conditions:
Retinitis pigmentosa (RP). Identifiers: Orphanet 791, MedGen C0035334, MeSH D012174, MONDO:0019200, OMIM 268000. Inheritance: Autosomal dominant, autosomal recessive and X linked inheritance.

Submission:

Ophthalmic Genetics Group, Institute of Molecular and Clinical Ophthalmology Basel
Classification: Likely pathogenic for Retinitis pigmentosa. Last evaluated: 2023-07-24. Review status: criteria provided, single submitter. Criteria: ACMG Guidelines, 2015. Collection method: research. Allele origin: germline. Affected: yes. Observed: 1 variant allele.
Comment: Clinical significance based on ACMG v2.0

This variant was classified as Likely pathogenic based on ACMG criteria: PM2, PM4, PP1.

Literature cited by the submitters: PubMed 36909829.